The following is an entry in ClinVar:

NM_145167.3(PIGM):c.538A>G (p.Lys180Glu)

Gene: PIGM (phosphatidylinositol glycan anchor biosynthesis class M; minus strand). Cytogenetic location: 1q23.2.
Variant type: single nucleotide variant.
Coding change: c.538A>G on transcript NM_145167.3 (MANE Select); coding-DNA position 538, A replaced by G.
Protein change: p.Lys180Glu; replaces lysine 180 with glutamic acid.
Molecular consequence: missense variant.
Genome position (GRCh38, 1-based): chr1:160,031,202, T>C on the plus strand (A>G on the coding strand, the complement: PIGM is on the minus strand). VCF-style: chr1-160031202-T-C. GRCh37 (hg19) VCF-style: chr1-160000992-T-C.
Other names: short protein forms K180E.
Identifiers: ClinVar variation 1982390 (VCV001982390.4), dbSNP rs779628172, ClinGen allele CA1193020.
Genomic context (GRCh38, chr1:160,031,202, plus strand): 5'-TGTCGCGATCTGGAAGCAGGTGGAGGGTTATGGGAAGGATGTAAGTCACTGGATATATCT[T>C]CATATGCACCGCGAAACCATAGAATACAGCTGCACACGCGACGAGTCTTTTCTTTATCAA-3'
Protein context (NP_660150.1, residues 170-190): AVFYGFAVHM[Lys180Glu]IYPVTYILPI

ClinVar aggregate classification (germline): Uncertain significance. Review status: criteria provided, multiple submitters, no conflicts (2 of 4 stars). 2 submissions from 2 submitters: Uncertain significance (2). Last evaluated 2025-05-14.

Conditions:
Hypercoagulability syndrome due to glycosylphosphatidylinositol deficiency (GPIBD1). Also called: GLYCOSYLPHOSPHATIDYLINOSITOL BIOSYNTHESIS DEFECT 1. Identifiers: Orphanet 83639, MedGen C5201145, MONDO:0012465, OMIM 610293.

Allele frequency attached by ClinVar (database versions not stated): ExAC 0.00001; TOPMed 0.00001.
gnomAD v4.1: 6 of 1,614,094 alleles (0.00037%); highest among the groups gnomAD compares: Admixed American, 0.01%; no homozygotes.

Submissions (2):

Ambry Genetics
Classification: Uncertain significance. Last evaluated: 2025-05-14. Review status: criteria provided, single submitter. Criteria: Ambry Variant Classification Scheme 2023. Collection method: clinical testing. Allele origin: germline.

Labcorp Genetics (formerly Invitae), Labcorp
Classification: Uncertain significance for Hypercoagulability syndrome due to glycosylphosphatidylinositol deficiency. Last evaluated: 2025-01-07. Review status: criteria provided, single submitter. Criteria: Invitae Variant Classification Sherloc (09022015). Collection method: clinical testing. Allele origin: germline.
Comment: This sequence change replaces lysine, which is basic and polar, with glutamic acid, which is acidic and polar, at codon 180 of the PIGM protein (p.Lys180Glu). This variant is present in population databases (rs779628172, gnomAD 0.02%). This variant has not been reported in the literature in individuals affected with PIGM-related conditions. ClinVar contains an entry for this variant (Variation ID: 1982390). Invitae Evidence Modeling of protein sequence and biophysical properties (such as structural, functional, and spatial information, amino acid conservation, physicochemical variation, residue mobility, and thermodynamic stability) indicates that this missense variant is expected to disrupt PIGM protein function with a positive predictive value of 80%. In summary, the available evidence is currently insufficient to determine the role of this variant in disease. Therefore, it has been classified as a Variant of Uncertain Significance.